The following is an entry in ClinVar:

ClinVar aggregate classification (germline): Pathogenic. Review status: criteria provided, multiple submitters, no conflicts (2 of 4 stars). 12 submissions from 12 submitters: Pathogenic (11). 1 of the submissions does not count toward it. Last evaluated 2026-06-24.

Conditions:
PLA2G6-associated neurodegeneration (PLAN). Also called: phospholipase A2-associated neurodegeneration. Identifiers: Orphanet 329303, MedGen CN204472, MONDO:0017998.
PLA2G6-related disorder. Also called: PLA2G6-related condition.
Autosomal recessive Parkinson disease 14. Also called: DYSTONIA-PARKINSONISM, ADULT-ONSET; PARKINSON DISEASE 14. Identifiers: Orphanet 199351, MedGen C2751842, MONDO:0013060, OMIM 612953.
Infantile neuroaxonal dystrophy (NBIA2A). Also called: SEITELBERGER DISEASE; NEURODEGENERATION WITH BRAIN IRON ACCUMULATION 2A; Infantile neuroaxonal dystrophy 1. Identifiers: Orphanet 35069, MedGen C0270724, MONDO:0024457, OMIM 256600.
Neurodegeneration with brain iron accumulation 2B. Also called: NEUROAXONAL DYSTROPHY, ATYPICAL; NEURODEGENERATION WITH BRAIN IRON ACCUMULATION, PLA2G6-RELATED; aNAD; atypical Neuroaxonal Dystrophy (aNAD). Identifiers: Orphanet 35069, MedGen C1857747, MONDO:0012444, OMIM 610217.
Iron accumulation in brain. Identifiers: MedGen C4021076, HP:0012675.

Allele frequency attached by ClinVar (database versions not stated): TOPMed 0.00002; ExAC 0.00003; gnomAD exomes 0.00004; gnomAD 0.00001.
gnomAD v4.1: 58 of 1,614,026 alleles (0.0036%); highest among the groups gnomAD compares: Non-Finnish European, 0.0047%; no homozygotes.

Submissions (12):

PreventionGenetics, part of Exact Sciences
Classification: Pathogenic for PLA2G6-related condition. Last evaluated: 2026-06-24. Review status: criteria provided, single submitter. Criteria: ACMG Guidelines, 2015. Collection method: clinical testing. Allele origin: germline.
Comment: The PLA2G6 c.109C>T variant is predicted to result in premature protein termination (p.Arg37*). This variant has been reported in individuals with autosomal recessive infantile neuroaxonal dystrophy or PLA2G6-associated neurodegeneration (INAD/PLAN, Morgan et al. 2006. PubMed ID: 16783378; Paketci et al. 2020. PubMed ID: 32709422; Xiao et al. 2024. PubMed ID: 39300495) and has been reported in combination with another PLA2G6 variant in an individual with early-onset Parkinsonism (Magrinelli et al. 2022. PubMed ID: 34622992). In vitro experimental studies suggest this variant leads to nonsense-mediated mRNA decay, abnormal iron overload, and transferrin receptor 1 deregulation (Tonelli et al. 2010. PubMed ID: 20584031; Drecourt et al. 2018. PubMed ID: 29395073; Cavestro et al. 2021. PubMed ID: 34387792). This variant is reported in 0.0071% of alleles in individuals of European (non-Finnish) descent in gnomAD and is classified as pathogenic in ClinVar (Variation ID: 30370). Nonsense variants in PLA2G6 are expected to be pathogenic. This variant is interpreted as pathogenic.

Women's Health and Genetics/Laboratory Corporation of America, LabCorp
Classification: Pathogenic for Infantile neuroaxonal dystrophy. Last evaluated: 2025-12-04. Review status: criteria provided, single submitter. Criteria: LabCorp Variant Classification Summary - May 2015. Collection method: clinical testing. Allele origin: germline.
Comment: Variant summary: PLA2G6 c.109C>T (p.Arg37X) results in a premature termination codon, predicted to cause a truncation of the encoded protein or absence of the protein due to nonsense mediated decay, which are commonly known mechanisms for disease. The variant allele was found at a frequency of 3.6e-05 in 251062 control chromosomes. c.109C>T has been observed in individuals affected with Infantile Neuroaxonal Dystrophy (e.g. Gregory_2008). These data indicate that the variant is likely to be associated with disease. To our knowledge, no experimental evidence demonstrating an impact on protein function has been reported. The following publication has been ascertained in the context of this evaluation (PMID: 18799783). ClinVar contains an entry for this variant (Variation ID: 30370). Based on the evidence outlined above, the variant was classified as pathogenic.

Labcorp Genetics (formerly Invitae), Labcorp
Classification: Pathogenic for Infantile neuroaxonal dystrophy. Last evaluated: 2025-10-13. Review status: criteria provided, single submitter. Criteria: Invitae Variant Classification Sherloc (09022015). Collection method: clinical testing. Allele origin: germline.
Comment: This sequence change creates a premature translational stop signal (p.Arg37*) in the PLA2G6 gene. It is expected to result in an absent or disrupted protein product. Loss-of-function variants in PLA2G6 are known to be pathogenic (PMID: 16783378, 18570303, 18799783, 22213678). This variant is present in population databases (rs200075782, gnomAD 0.007%). This premature translational stop signal has been observed in individuals with infantile neuroaxonal dystrophy (PMID: 16783378, 19138334, 20584031, 22934738). ClinVar contains an entry for this variant (Variation ID: 30370). For these reasons, this variant has been classified as Pathogenic.

Fulgent Genetics
Classification: Pathogenic for Infantile neuroaxonal dystrophy; Neurodegeneration with brain iron accumulation 2B; Autosomal recessive Parkinson disease 14. Last evaluated: 2024-06-12. Review status: criteria provided, single submitter. Criteria: ACMG Guidelines, 2015. Collection method: clinical testing. Allele origin: germline.

Broad Center for Mendelian Genomics, Broad Institute of MIT and Harvard
Classification: Pathogenic for PLA2G6-associated neurodegeneration. Last evaluated: 2023-01-24. Review status: criteria provided, single submitter. Criteria: ACMG Guidelines, 2015. Collection method: curation. Allele origin: germline. Inheritance: Autosomal recessive inheritance.
Comment: The p.Arg37Ter variant in PLA2G6 has been reported in at least 6 individuals with PLA2G6-associated neurodegeneration (PMID: 16783378, 20584031, 28549837, 19138334) and has been identified in 0.007% (8/113434) of European (non-Finnish) chromosomes by the Genome Aggregation Database (gnomAD; dbSNP ID: rs200075782). Although this variant has been seen in the general population in a heterozygous state, its frequency is low enough to be consistent with a recessive carrier frequency. This variant has also been reported in ClinVar (Variation ID#: 30370) and has been interpreted as pathogenic by multiple laboratories. Of the 6 affected individuals, 2 of those were homozygotes, which increases the likelihood that the p.Gln700Ter variant is pathogenic (PMID: 16783378). This nonsense variant leads to a premature termination codon at position 37, which is predicted to lead to a truncated or absent protein. Loss of function of the PLA2G6 gene is an established disease mechanism in autosomal recessive PLA2G6-associated neurodegeneration. In summary, this variant meets criteria to be classified as pathogenic for autosomal recessive PLA2G6-associated neurodegeneration. ACMG/AMP Criteria applied: PVS1, PM3, PM2_supporting (Richards 2015).

Baylor Genetics
Classification: Pathogenic for Infantile neuroaxonal dystrophy. Last evaluated: 2022-09-01. Review status: criteria provided, single submitter. Criteria: ACMG Guidelines, 2015. Collection method: clinical testing. Allele origin: unknown.

GeneDx
Classification: Pathogenic. Last evaluated: 2022-07-13. Review status: criteria provided, single submitter. Criteria: GeneDx Variant Classification Process June 2021. Collection method: clinical testing. Allele origin: germline. Affected: yes.
Comment: Nonsense variant predicted to result in protein truncation or nonsense mediated decay in a gene for which loss of function is a known mechanism of disease; Not observed at significant frequency in large population cohorts (gnomAD); This variant is associated with the following publications: (PMID: 25525159, 29859652, 32709422, 34387792, 28549837, 29395073, 16783378, 20619503)

Institute of Human Genetics, University of Leipzig Medical Center
Classification: Pathogenic for Infantile neuroaxonal dystrophy. Last evaluated: 2022-01-24. Review status: criteria provided, single submitter. Criteria: ACMG Guidelines, 2015. Collection method: clinical testing. Allele origin: unknown. Affected: yes.
Comment: This variant was identified as homozygous._x000D_ Criteria applied: PVS1, PM3, PM2_SUP

CeGaT Center for Human Genetics Tuebingen
Classification: Pathogenic. Last evaluated: 2019-02-01. Review status: criteria provided, single submitter. Criteria: CeGaT Center For Human Genetics Tuebingen Variant Classification Criteria Version 2. Collection method: clinical testing. Allele origin: germline. Affected: yes. Observed: 3 variant alleles.

Genetic Services Laboratory, University of Chicago
Classification: Pathogenic for iron accumulation in brain. Last evaluated: 2013-02-08. Review status: criteria provided, single submitter. Criteria: ACMG Guidelines, 2007. Collection method: clinical testing. Allele origin: germline. Inheritance: Autosomal recessive inheritance. Affected: yes.

Suma Genomics
Classification: Pathogenic for Neurodegeneration with brain iron accumulation 2B. Review status: criteria provided, single submitter. Criteria: ACMG Guidelines, 2015. Collection method: clinical testing. Allele origin: inherited. Inheritance: Autosomal recessive inheritance. Affected: yes.

OMIM
Classification: Pathogenic for NEURODEGENERATION WITH BRAIN IRON ACCUMULATION 2A. Last evaluated: 2010-11-01. Review status: no assertion criteria provided. Collection method: literature only. Allele origin: germline. Not counted in ClinVar's aggregate classification.

Literature cited by the submitters: PubMed 18799783 (cited by Women's Health and Genetics/Laboratory Corporation of America, LabCorp and Labcorp Genetics (formerly Invitae), Labcorp); PubMed 16783378 (cited by Labcorp Genetics (formerly Invitae), Labcorp); PubMed 18570303 (cited by Labcorp Genetics (formerly Invitae), Labcorp); PubMed 22213678 (cited by Labcorp Genetics (formerly Invitae), Labcorp); PubMed 19138334 (cited by Labcorp Genetics (formerly Invitae), Labcorp); PubMed 20584031 (cited by Labcorp Genetics (formerly Invitae), Labcorp and OMIM); PubMed 22934738 (cited by Labcorp Genetics (formerly Invitae), Labcorp); PubMed 25326635 (cited by Baylor Genetics).

NM_003560.4(PLA2G6):c.109C>T (p.Arg37Ter)

Gene: PLA2G6 (phospholipase A2 group VI; minus strand). Cytogenetic location: 22q13.1.
Variant type: single nucleotide variant.
Coding change: c.109C>T on transcript NM_003560.4 (MANE Select); coding-DNA position 109, C replaced by T.
Protein change: p.Arg37Ter; replaces arginine 37 with a stop codon.
Molecular consequence: nonsense. On other transcripts: 5 prime UTR variant (3).
Genome position (GRCh38, 1-based): chr22:38,169,318, G>A on the plus strand (C>T on the coding strand, the complement: PLA2G6 is on the minus strand). VCF-style: chr22-38169318-G-A. GRCh37 (hg19) VCF-style: chr22-38565325-G-A.
Other names: NM_003560.4(PLA2G6):c.109C>T; p.Arg37Ter; c.109C>T, p.Arg37Ter (NM_001004426.3, NM_001199562.3, NM_001349864.2 and 2 more transcripts); c.-557C>T (NM_001349867.2, NM_001349869.2); c.-382C>T (NM_001349868.2); short protein forms R37*.
Identifiers: ClinVar variation 30370 (VCV000030370.65), dbSNP rs200075782, ClinGen allele CA173198.